The following is an entry in ClinVar:

NM_000075.4(CDK4):c.566C>A (p.Ser189Tyr)

Gene: CDK4 (cyclin dependent kinase 4; minus strand). Cytogenetic location: 12q14.1.
Variant type: single nucleotide variant.
Coding change: c.566C>A on transcript NM_000075.4 (MANE Select); coding-DNA position 566, C replaced by A.
Protein change: p.Ser189Tyr; replaces serine 189 with tyrosine.
Molecular consequence: missense variant.
Genome position (GRCh38, 1-based): chr12:57,750,722, G>T on the plus strand (C>A on the coding strand, the complement: CDK4 is on the minus strand). VCF-style: chr12-57750722-G-T. GRCh37 (hg19) VCF-style: chr12-58144505-G-T.
Other names: short protein forms S189Y.
Identifiers: ClinVar variation 2131312 (VCV002131312.4), dbSNP rs1955226753, ClinGen allele CA385545858.

ClinVar aggregate classification (germline): Uncertain significance (1 of 4 stars; one submission).

Conditions:
Familial melanoma. Also called: Hereditary melanoma; Hereditary cutaneous melanoma. Identifiers: Orphanet 618, MedGen C1512419, MONDO:0018961.

Submission:

Labcorp Genetics (formerly Invitae), Labcorp
Classification: Uncertain significance for Familial melanoma. Last evaluated: 2022-10-03. Review status: criteria provided, single submitter. Criteria: Invitae Variant Classification Sherloc (09022015). Collection method: clinical testing. Allele origin: germline.
Comment: In summary, the available evidence is currently insufficient to determine the role of this variant in disease. Therefore, it has been classified as a Variant of Uncertain Significance. Algorithms developed to predict the effect of missense changes on protein structure and function are either unavailable or do not agree on the potential impact of this missense change (SIFT: "Deleterious"; PolyPhen-2: "Probably Damaging"; Align-GVGD: "Class C15"). This variant has not been reported in the literature in individuals affected with CDK4-related conditions. This variant is not present in population databases (gnomAD no frequency). This sequence change replaces serine, which is neutral and polar, with tyrosine, which is neutral and polar, at codon 189 of the CDK4 protein (p.Ser189Tyr).